The following is an entry in ClinVar:

ClinVar aggregate classification (germline): Uncertain significance (1 of 4 stars; one submission).

Submission:

Quest Diagnostics Nichols Institute San Juan Capistrano
Classification: Uncertain significance. Last evaluated: 2023-02-16. Review status: criteria provided, single submitter. Criteria: Quest Diagnostics criteria. Collection method: clinical testing. Allele origin: unknown.
Comment: to the best of our knowledge, the variant has not been reported in the published literature. It also has not been reported in large, multi-ethnic general populations. Analysis of this variant using bioinformatics tools for the prediction of the effect of amino acid changes on protein structure and function yielded predictions that this variant is damaging. Based on the available information, we are unable to determine the clinical significance of this variant.

NM_000038.6(APC):c.1436T>C (p.Leu479Ser)

Gene: APC (APC regulator of WNT signaling pathway; plus strand). Cytogenetic location: 5q22.2.
Variant type: single nucleotide variant.
Coding change: c.1436T>C on transcript NM_000038.6 (MANE Select); coding-DNA position 1436, T replaced by C.
Protein change: p.Leu479Ser; replaces leucine 479 with serine.
Molecular consequence: missense variant.
Genome position (GRCh38, 1-based): chr5:112,827,135, T>C. VCF-style: chr5-112827135-T-C. GRCh37 (hg19) VCF-style: chr5-112162832-T-C.
Other names: c.1490T>C, p.Leu497Ser (NM_001407449.1, NM_001354896.2, NM_001407447.1 and 1 more transcripts); c.1436T>C, p.Leu479Ser (NM_001407450.1, NM_001127510.3, NM_001354895.2); c.1415T>C, p.Leu472Ser (NM_001407451.1); c.1406T>C, p.Leu469Ser (NM_001407452.1); c.1259T>C, p.Leu420Ser (NM_001407453.1, NM_001354901.2); c.1187T>C, p.Leu396Ser (NM_001407454.1, NM_001407455.1, NM_001407456.1 and 1 more transcripts); c.1133T>C, p.Leu378Ser (NM_001407458.1, NM_001407459.1, NM_001407460.1 and 1 more transcripts); c.1049T>C, p.Leu350Ser (NM_001407467.1, NM_001407469.1); and 11 more; short protein forms L196S, L319S, L350S, L353S, L378S, L388S, L396S, L420S.
Identifiers: ClinVar variation 2681845 (VCV002681845.1), dbSNP rs1763763568, ClinGen allele CA16024448.
Genomic context (GRCh38, chr5:112,827,135, plus strand): 5'-ATTGTCTTTTTCCTCTTGCCCTTTTTAAATTAGGGGGACTACAGGCCATTGCAGAATTAT[T>C]GCAAGTGGACTGTGAAATGTATGGGCTTACTAATGACCACTACAGTATTACACTAAGACG-3'
Protein context (NP_000029.2, residues 469-489): LGGLQAIAEL[Leu479Ser]QVDCEMYGLT